The following is an entry in ClinVar:

ClinVar aggregate classification (germline): Likely pathogenic (1 of 4 stars; one submission).

Conditions:
Marfan syndrome (MFS). Also called: Marfan syndrome type 1; Marfan's syndrome; FBN1-Related Marfan Syndrome; MARFAN SYNDROME, TYPE I; Marfan syndrome, classic. Identifiers: Orphanet 284963, Orphanet 558, MedGen C0024796, MONDO:0007947, OMIM 154700.

Submission:

Centre of Medical Genetics, University of Antwerp
Classification: Likely pathogenic for Marfan syndrome. Last evaluated: 2021-03-01. Review status: criteria provided, single submitter. Criteria: Submitter's publication. Collection method: research. Allele origin: unknown. Affected: yes.
Comment: PM2, PS6, PP4

NM_000138.5(FBN1):c.3590A>G (p.Asp1197Gly)

Gene: FBN1 (fibrillin 1; minus strand). Cytogenetic location: 15q21.1.
Variant type: single nucleotide variant.
Coding change: c.3590A>G on transcript NM_000138.5 (MANE Select); coding-DNA position 3590, A replaced by G.
Protein change: p.Asp1197Gly; replaces aspartic acid 1197 with glycine.
Molecular consequence: missense variant.
Genome position (GRCh38, 1-based): chr15:48,485,496, T>C on the plus strand (A>G on the coding strand, the complement: FBN1 is on the minus strand). VCF-style: chr15-48485496-T-C. GRCh37 (hg19) VCF-style: chr15-48777693-T-C.
Other names: c.3590A>G, p.Asp1197Gly (NM_001406716.1); short protein forms D1197G.
Identifiers: ClinVar variation 1325413 (VCV001325413.2), dbSNP rs112025387, ClinGen allele CA269527257.